The following is an entry in ClinVar:

ClinVar aggregate classification (germline): Uncertain significance (1 of 4 stars; one submission).

gnomAD v4.1: 1 of 1,608,184 alleles (0.000062%); no homozygotes.

Submission:

GeneDx
Classification: Uncertain significance. Last evaluated: 2025-05-05. Review status: criteria provided, single submitter. Criteria: GeneDx Variant Classification Process June 2021. Collection method: clinical testing. Allele origin: germline. Affected: yes.
Comment: Not observed at significant frequency in large population cohorts (gnomAD); In silico analysis suggests that this missense variant does not alter protein structure/function; Has not been previously published as pathogenic or benign to our knowledge

NM_022893.4(BCL11A):c.1387C>T (p.Leu463Phe)

Gene: BCL11A (BCL11 transcription factor A; minus strand). Cytogenetic location: 2p16.1.
Variant type: single nucleotide variant.
Coding change: c.1387C>T on transcript NM_022893.4 (MANE Select); coding-DNA position 1387, C replaced by T.
Protein change: p.Leu463Phe; replaces leucine 463 with phenylalanine.
Molecular consequence: missense variant. On other transcripts: intron variant (6).
Genome position (GRCh38, 1-based): chr2:60,461,525, G>A on the plus strand (C>T on the coding strand, the complement: BCL11A is on the minus strand). VCF-style: chr2-60461525-G-A. GRCh37 (hg19) VCF-style: chr2-60688660-G-A.
Other names: c.1285C>T, p.Leu429Phe (NM_001363864.1, NM_001365609.1, NM_001405711.1 and 2 more transcripts); c.1387C>T, p.Leu463Phe (NM_001405708.1, NM_001405709.1, NM_001405710.1 and 1 more transcripts); c.1231C>T, p.Leu411Phe (NM_001405713.1, NM_001405714.1, NM_001405715.1 and 3 more transcripts); c.1129C>T, p.Leu377Phe (NM_001405717.1, NM_001405718.1, NM_001405724.1); c.1054C>T, p.Leu352Phe (NM_001405720.1, NM_001405721.1); c.931C>T, p.Leu311Phe (NM_001405725.1, NM_001405726.1, NM_001405727.1 and 1 more transcripts); c.694C>T, p.Leu232Phe (NM_001405729.1); c.850C>T, p.Leu284Phe (NM_001405730.1); and 5 more; short protein forms L132F, L232F, L284F, L311F, L352F, L377F, L411F, L429F.
Identifiers: ClinVar variation 4528044 (VCV004528044.1).